The following is an entry in ClinVar:

ClinVar aggregate classification (germline): Conflicting classifications of pathogenicity. Review status: criteria provided, conflicting classifications (1 of 4 stars). 7 submissions from 7 submitters: Uncertain significance (6); Likely benign (1). Last evaluated 2025-11-05.

Conditions:
Hereditary cancer-predisposing syndrome. Also called: Neoplastic Syndromes, Hereditary; Tumor predisposition; Hereditary Cancer Syndrome; Hereditary neoplastic syndrome. Identifiers: Orphanet 140162, MedGen C0027672, MeSH D009386, MONDO:0015356.
Breast and/or ovarian cancer. Identifiers: MedGen CN221562.
Hereditary breast ovarian cancer syndrome. Also called: Hereditary breast and ovarian cancer; Hereditary breast and/or ovarian cancer syndrome; BRCA1- and BRCA2-Associated Hereditary Breast and Ovarian Cancer; Hereditary breast and ovarian cancer syndrome (HBOC); Hereditary breast and ovarian cancer syndrome; Breast and ovarian cancer. Identifiers: Orphanet 145, MedGen C0677776, MeSH D061325, MONDO:0003582. Disease mechanism: loss of function.

Allele frequency attached by ClinVar (database versions not stated): ExAC 0.00001; gnomAD 0.00001.
gnomAD v4.1: 1 of 1,591,930 alleles (0.000063%); highest among the groups gnomAD compares: Non-Finnish European, 0.000085%; no homozygotes.

Submissions (7):

Labcorp Genetics (formerly Invitae), Labcorp
Classification: Uncertain significance for Hereditary breast ovarian cancer syndrome. Last evaluated: 2025-11-05. Review status: criteria provided, single submitter. Criteria: Invitae Variant Classification Sherloc (09022015). Collection method: clinical testing. Allele origin: germline.
Comment: This sequence change replaces arginine, which is basic and polar, with threonine, which is neutral and polar, at codon 1694 of the BRCA2 protein (p.Arg1694Thr). This variant is present in population databases (rs753721331, gnomAD 0.002%). This missense change has been observed in individual(s) with breast and/or ovarian cancer (PMID: 31159747). ClinVar contains an entry for this variant (Variation ID: 187482). Invitae Evidence Modeling of protein sequence and biophysical properties (such as structural, functional, and spatial information, amino acid conservation, physicochemical variation, residue mobility, and thermodynamic stability) indicates that this missense variant is not expected to disrupt BRCA2 protein function with a negative predictive value of 95%. In summary, the available evidence is currently insufficient to determine the role of this variant in disease. Therefore, it has been classified as a Variant of Uncertain Significance.

Color Diagnostics, LLC DBA Color Health
Classification: Uncertain significance for Hereditary cancer-predisposing syndrome. Last evaluated: 2025-07-21. Review status: criteria provided, single submitter. Criteria: ACMG Guidelines, 2015. Collection method: clinical testing. Allele origin: germline.
Comment: This missense variant replaces arginine with threonine at codon 1694 of the BRCA2 protein. Computational prediction is inconclusive regarding the impact of this variant on protein structure and function. To our knowledge, functional studies have not been reported for this variant. This variant has been reported in individuals referred for BRCA1/2 screening (PMID: 31159747) and in an individual affected with thyroid carcinoma (PMID: 29684080). This variant has been identified in 2/264828 chromosomes in the general population by the Genome Aggregation Database (gnomAD). The available evidence is insufficient to determine the role of this variant in disease conclusively. Therefore, this variant is classified as a Variant of Uncertain Significance.

Center for Genomic Medicine, Rigshospitalet, Copenhagen University Hospital
Classification: Uncertain significance. Last evaluated: 2025-03-04. Review status: criteria provided, single submitter. Criteria: ACMG Guidelines, 2015. Collection method: clinical testing. Allele origin: germline.

Ambry Genetics
Classification: Uncertain significance for Hereditary cancer-predisposing syndrome. Last evaluated: 2024-06-28. Review status: criteria provided, single submitter. Criteria: Ambry Variant Classification Scheme 2023. Collection method: clinical testing. Allele origin: germline.
Comment: The p.R1694T variant (also known as c.5081G>C), located in coding exon 10 of the BRCA2 gene, results from a G to C substitution at nucleotide position 5081. The arginine at codon 1694 is replaced by threonine, an amino acid with similar properties. This amino acid position is not well conserved in available vertebrate species. In addition, the in silico prediction for this alteration is inconclusive. Based on the available evidence, the clinical significance of this variant remains unclear.

University of Washington Department of Laboratory Medicine, University of Washington
Classification: Likely benign for Hereditary cancer-predisposing syndrome. Last evaluated: 2023-03-23. Review status: criteria provided, single submitter. Criteria: Dines et al. (Genet Med. 2020). Collection method: curation. Allele origin: germline.
Comment: Missense variant in a coldspot region where missense variants are very unlikely to be pathogenic (PMID:31911673).

BRCA2 exon 11 coldspot. Reclassification based on statistical prior probability.

CHEO Genetics Diagnostic Laboratory, Children's Hospital of Eastern Ontario
Classification: Uncertain significance for Breast and/or ovarian cancer. Last evaluated: 2019-09-06. Review status: criteria provided, single submitter. Criteria: ACMG Guidelines, 2015. Collection method: clinical testing. Allele origin: germline.

GeneKor MSA
Classification: Uncertain significance for Hereditary cancer-predisposing syndrome. Last evaluated: 2018-08-01. Review status: criteria provided, single submitter. Criteria: ACMG Guidelines, 2015. Collection method: clinical testing. Allele origin: germline. Affected: yes.

Literature cited by the submitters: PubMed 31159747 (cited by Labcorp Genetics (formerly Invitae), Labcorp and Color Diagnostics, LLC DBA Color Health); PubMed 29684080 (cited by Color Diagnostics, LLC DBA Color Health).

NM_000059.4(BRCA2):c.5081G>C (p.Arg1694Thr)

Gene: BRCA2 (BRCA2 DNA repair associated; plus strand). Cytogenetic location: 13q13.1.
Variant type: single nucleotide variant.
Coding change: c.5081G>C on transcript NM_000059.4 (MANE Select); coding-DNA position 5081, G replaced by C.
Protein change: p.Arg1694Thr; replaces arginine 1694 with threonine.
Molecular consequence: missense variant.
Genome position (GRCh38, 1-based): chr13:32,339,436, G>C. VCF-style: chr13-32339436-G-C. GRCh37 (hg19) VCF-style: chr13-32913573-G-C.
Other names: short protein forms R1694T.
Identifiers: ClinVar variation 187482 (VCV000187482.25), dbSNP rs753721331, ClinGen allele CA021223.
Genomic context (GRCh38, chr13:32,339,436, plus strand): 5'-GTTGTAGTAGAAAAACTTCTGTGAGTCAGACTTCATTACTTGAAGCAAAAAAATGGCTTA[G>C]AGAAGGAATATTTGATGGTCAACCAGAAAGAATAAATACTGCAGATTATGTAGGAAATTA-3'
Protein context (NP_000050.3, residues 1684-1704): TSLLEAKKWL[Arg1694Thr]EGIFDGQPER